The following is an entry in ClinVar:

ClinVar aggregate classification (germline): Pathogenic (1 of 4 stars; one submission).

Conditions:
RASopathy. Also called: rasopathies; Noonan spectrum disorder. Identifiers: Orphanet 536391, MedGen C5555857, MONDO:0021060.

Submission:

Labcorp Genetics (formerly Invitae), Labcorp
Classification: Pathogenic for RASopathy. Last evaluated: 2024-04-06. Review status: criteria provided, single submitter. Criteria: Invitae Variant Classification Sherloc (09022015). Collection method: clinical testing. Allele origin: germline.
Comment: This sequence change creates a premature translational stop signal (p.Lys325Serfs*24) in the PTPN11 gene. It is expected to result in an absent or disrupted protein product. Loss-of-function variants in PTPN11 are known to be pathogenic (PMID: 20577567, 21533187). This variant is not present in population databases (gnomAD no frequency). This variant has not been reported in the literature in individuals affected with PTPN11-related conditions. ClinVar contains an entry for this variant (Variation ID: 2012413). For these reasons, this variant has been classified as Pathogenic.

Literature cited by the submitters: PubMed 20577567; PubMed 21533187.

NM_002834.5(PTPN11):c.971_972insGAGTTACAAGTGCAACAATTCAAAG (p.Lys325fs)

Gene: PTPN11 (protein tyrosine phosphatase non-receptor type 11; plus strand). Cytogenetic location: 12q24.13.
Variant type: Insertion.
Coding change: c.971_972insGAGTTACAAGTGCAACAATTCAAAG on transcript NM_002834.5 (MANE Select); coding-DNA positions 971 to 972, GAGTTACAAGTGCAACAATTCAAAG inserted.
Protein change: p.Lys325fs; shifts the reading frame from lysine 325.
Molecular consequence: frameshift variant.
Genome position: GRCh38 VCF-style: chr12-112477894-A-AGAGTTACAAGTGCAACAATTCAAAG. GRCh37 (hg19) VCF-style: chr12-112915698-A-AGAGTTACAAGTGCAACAATTCAAAG.
Other names: c.971_972insGAGTTACAAGTGCAACAATTCAAAG, p.Lys325fs (NM_001330437.2, NM_080601.3); c.968_969insGAGTTACAAGTGCAACAATTCAAAG, p.Lys324fs (NM_001374625.1); short protein forms K325fs, K324fs.
Identifiers: ClinVar variation 2012413 (VCV002012413.4), dbSNP rs2540452270, ClinGen allele CA2580085816.